The following is an entry in ClinVar:

NM_000878.5(IL2RB):c.848C>T (p.Pro283Leu)

Gene: IL2RB (interleukin 2 receptor subunit beta; minus strand). Cytogenetic location: 22q12.3.
Variant type: single nucleotide variant.
Coding change: c.848C>T on transcript NM_000878.5 (MANE Select); coding-DNA position 848, C replaced by T.
Protein change: p.Pro283Leu; replaces proline 283 with leucine.
Molecular consequence: missense variant.
Genome position (GRCh38, 1-based): chr22:37,132,439, G>A on the plus strand (C>T on the coding strand, the complement: IL2RB is on the minus strand). VCF-style: chr22-37132439-G-A. GRCh37 (hg19) VCF-style: chr22-37528479-G-A.
Other names: c.848C>T, p.Pro283Leu (NM_001346222.1, NM_001346223.2); short protein forms P283L.
Identifiers: ClinVar variation 4734300 (VCV004734300.2).

ClinVar aggregate classification (germline): Uncertain significance. Review status: criteria provided, multiple submitters, no conflicts (2 of 4 stars). 2 submissions from 2 submitters: Uncertain significance (2). Last evaluated 2025-12-28.

Submissions (2):

Labcorp Genetics (formerly Invitae), Labcorp
Classification: Uncertain significance. Last evaluated: 2025-12-28. Review status: criteria provided, single submitter. Criteria: Invitae Variant Classification Sherloc (09022015). Collection method: clinical testing. Allele origin: germline.
Comment: This sequence change replaces proline, which is neutral and non-polar, with leucine, which is neutral and non-polar, at codon 283 of the IL2RB protein (p.Pro283Leu). This variant is not present in population databases (gnomAD no frequency). This variant has not been reported in the literature in individuals affected with IL2RB-related conditions. An algorithm developed to predict the effect of missense changes on protein structure and function (PolyPhen-2) suggests that this variant is likely to be disruptive. In summary, the available evidence is currently insufficient to determine the role of this variant in disease. Therefore, it has been classified as a Variant of Uncertain Significance.

Blueprint Genetics
Classification: Uncertain significance. Last evaluated: 2020-12-13. Review status: criteria provided, single submitter. Criteria: ACMG Guidelines, 2015. Collection method: clinical testing. Allele origin: germline.